The following is an entry in ClinVar:

NM_024496.4(IRF2BPL):c.2140delinsAGG (p.Cys714fs)

Gene: IRF2BPL (interferon regulatory factor 2 binding protein like; minus strand). Cytogenetic location: 14q24.3.
Variant type: Indel.
Coding change: c.2140delinsAGG on transcript NM_024496.4 (MANE Select); coding-DNA position 2140, T replaced by AGG.
Protein change: p.Cys714fs; shifts the reading frame from cysteine 714.
Molecular consequence: frameshift variant.
Genome position (GRCh38, 1-based): chr14:77,025,653, A replaced by CCT on the plus strand (T replaced by AGG on the coding strand, the reverse complement: IRF2BPL is on the minus strand). VCF-style: chr14-77025653-A-CCT. GRCh37 (hg19) VCF-style: chr14-77491996-A-CCT.
Other names: short protein forms C714fs.
Identifiers: ClinVar variation 4880711 (VCV004880711.2).

ClinVar aggregate classification (germline): Likely pathogenic (1 of 4 stars; one submission).

Conditions:
Neurodegeneration. Also called: Neurodegenerative disease; Neurodegenerative illness; neurodegenerative disorder. Identifiers: MedGen C0027746, MONDO:0005559, HP:0002180.

Submission:

Dasa
Classification: Likely pathogenic for neurodegenerative disease. Last evaluated: 2026-03-06. Review status: criteria provided, single submitter. Criteria: DASA Assertion Criteria. Collection method: clinical testing. Allele origin: germline.
Comment: NM_024496.4(IRF2BPL):c.2140delinsAGG (p.Cys714Argfs*54) is a frameshift variant in IRF2BPL predicted to alter the reading frame and introduce a premature termination codon and is predicted to result in an absent or altered protein product. Loss of function is an established disease mechanism for IRF2BPL-associated disorders. Published studies describe this variant in association with related phenotype (PMID: 40184118). Also, this variant is absent from population databases. Based on the currently available evidence, this variant is classified as likely pathogenic.

Literature cited by the submitters: PubMed 40184118.